The following is an entry in ClinVar:

NM_001142800.2(EYS):c.6482_6483insTTTTTTTTTTTTTTTTTTTTNNNNNNNNNNACCTAAAACCATAAAAACCCTAGAAGAAAACCTAGGCATTACCATTCAGGACATAGGCGTGGGCAAGGACTTCATGTCCAAAACACCAAAAGCAATGGCAACAGAACTGCCCTTTTT (p.Phe2160_Leu2161insPhePhePhePhePhePhePheXaaXaaXaaXaaProLysThrIleLysThrLeuGluGluAsnLeuGlyIleThrIleGlnAspIleGlyValGlyLysAspPheMetSerLysThrProLysAlaMetAlaThrGluLeuProPhe)

Gene: EYS (EGF-like photoreceptor maintenance factor; minus strand). Cytogenetic location: 6q12.
Variant type: Microsatellite.
Coding change: c.6482_6483insTTTTTTTTTTTTTTTTTTTTNNNNNNNNNNACCTAAAACCATAAAAACCCTAGAAGAAAACCTAGGCATTACCATTCAGGACATAGGCGTGGGCAAGGACTTCATGTCCAAAACACCAAAAGCAATGGCAACAGAACTGCCCTTTTT on transcript NM_001142800.2 (MANE Select); coding-DNA positions 6482 to 6483, TTTTTTTTTTTTTTTTTTTTNNNNNNNNNNACCTAAAACCATAAAAACCCTAGAAGAAAACCTAGGCATTACCATTCAGGACATAGGCGTGGGCAAGGACTTCATGTCCAAAACACCAAAAGCAATGGCAACAGAACTGCCCTTTTT inserted.
Protein change: p.Phe2160_Leu2161insPhePhePhePhePhePhePheXaaXaaXaaXaaProLysThrIleLysThrLeuGluGluAsnLeuGlyIleThrIleGlnAspIleGlyValGlyLysAspPheMetSerLysThrProLysAlaMetAlaThrGluLeuProPhe.
Molecular consequence: inframe insertion.
Genome position: GRCh38: chr6:64,081,945-64,081,959. GRCh37 (hg19): chr6:64,791,838-64,791,852.
Other names: c.6482_6483insTTTTTTTTTTTTTTTTTTTTNNNNNNNNNNACCTAAAACCATAAAAACCCTAGAAGAAAACCTAGGCATTACCATTCAGGACATAGGCGTGGGCAAGGACTTCATGTCCAAAACACCAAAAGCAATGGCAACAGAACTGCCCTTTTT, p.Phe2160_Leu2161insPhePhePhePhePhePhePheXaaXaaXaaXaaProLysThrIleLysThrLeuGluGluAsnLeuGlyIleThrIleGlnAspIleGlyValGlyLysAspPheMetSerLysThrProLysAlaMetAlaThrGluLeuProPhe (NM_001292009.2).
Identifiers: ClinVar variation 1076592 (VCV001076592.6).

ClinVar aggregate classification (germline): Pathogenic (1 of 4 stars; one submission).

Submission:

Labcorp Genetics (formerly Invitae), Labcorp
Classification: Pathogenic. Last evaluated: 2022-02-04. Review status: criteria provided, single submitter. Criteria: Invitae Variant Classification Sherloc (09022015). Collection method: clinical testing. Allele origin: germline.
Comment: For these reasons, this variant has been classified as Pathogenic. Retrotransposon insertions including LINE1 (L1), Alu, and SVA (SINE-VNTR-Alu) have been reported to be disease-causing through disruption of either a coding region or splice site (PMID: 19763152, 20307669, 22406018) and loss-of-function variants in EYS are known to be pathogenic (PMID: 18836446, 20333770). Algorithms developed to predict the effect of sequence changes on RNA splicing suggest that this variant may create or strengthen a splice site. This variant has not been reported in the literature in individuals affected with EYS-related conditions. This variant is not present in population databases (gnomAD no frequency). This sequence change inserts a large fragment of DNA, likely a transposable element, in exon 32 of the EYS gene (c.6482_6483ins?), causing a frameshift at codon 2160 (p.Phe2160fs). The exact size and sequence of the insertion cannot be determined by the current assay. However, the insertion is expected to result in an absent or disrupted protein product.

Literature cited by the submitters: PubMed 19763152; PubMed 20307669; PubMed 22406018; PubMed 18836446; PubMed 20333770.